The following is an entry in ClinVar:

ClinVar aggregate classification (germline): Uncertain significance (1 of 4 stars; one submission).

Submission:

Ambry Genetics
Classification: Uncertain significance. Last evaluated: 2024-12-19. Review status: criteria provided, single submitter. Criteria: Ambry Variant Classification Scheme 2023. Collection method: clinical testing. Allele origin: germline.
Comment: The p.D9E variant (also known as c.27C>G), located in coding exon 1 of the WNK2 gene, results from a C to G substitution at nucleotide position 27. The aspartic acid at codon 9 is replaced by glutamic acid, an amino acid with highly similar properties. This amino acid position is conserved. In addition, this alteration is predicted to be tolerated by in silico analysis. Based on the available evidence, the clinical significance of this variant remains unclear.

NM_006648.4(WNK2):c.27C>G (p.Asp9Glu)

Gene: WNK2 (WNK lysine deficient protein kinase 2; plus strand). Cytogenetic location: 9q22.31.
Variant type: single nucleotide variant.
Coding change: c.27C>G on transcript NM_006648.4 (MANE Select); coding-DNA position 27, C replaced by G.
Protein change: p.Asp9Glu; replaces aspartic acid 9 with glutamic acid.
Molecular consequence: missense variant.
Genome position (GRCh38, 1-based): chr9:93,184,956, C>G. VCF-style: chr9-93184956-C-G. GRCh37 (hg19) VCF-style: chr9-95947238-C-G.
Other names: c.27C>G, p.Asp9Glu (NM_001282394.3); short protein forms D9E.
Identifiers: ClinVar variation 3816541 (VCV003816541.1).